The following is an entry in ClinVar:

ClinVar aggregate classification (germline): Uncertain significance (0 of 4 stars; one submission).

Conditions:
DNAH7-related disorder. Also called: DNAH7-related condition.

Allele frequency attached by ClinVar (database versions not stated): TOPMed below 0.00001; gnomAD 0.00001.

Submission:

PreventionGenetics, part of Exact Sciences
Classification: Uncertain significance for DNAH7-related condition. Last evaluated: 2023-10-24. Review status: no assertion criteria provided. Collection method: clinical testing. Allele origin: germline.
Comment: The DNAH7 c.5215G>A variant is predicted to result in the amino acid substitution p.Ala1739Thr. To our knowledge, this variant has not been reported in the literature. This variant is reported in 0.0030% of alleles in individuals of Latino descent in gnomAD. At this time, the clinical significance of this variant is uncertain due to the absence of conclusive functional and genetic evidence.

NM_018897.3(DNAH7):c.5215G>A (p.Ala1739Thr)

Gene: DNAH7 (dynein axonemal heavy chain 7; minus strand). Cytogenetic location: 2q32.3.
Variant type: single nucleotide variant.
Coding change: c.5215G>A on transcript NM_018897.3 (MANE Select); coding-DNA position 5215, G replaced by A.
Protein change: p.Ala1739Thr; replaces alanine 1739 with threonine.
Molecular consequence: missense variant.
Genome position (GRCh38, 1-based): chr2:195,888,813, C>T on the plus strand (G>A on the coding strand, the complement: DNAH7 is on the minus strand). VCF-style: chr2-195888813-C-T. GRCh37 (hg19) VCF-style: chr2-196753537-C-T.
Other names: short protein forms A1739T.
Identifiers: ClinVar variation 3029567 (VCV003029567.2), dbSNP rs1271379391, ClinGen allele CA349938152.